The following is an entry in ClinVar:

ClinVar aggregate classification (germline): Conflicting classifications of pathogenicity. Review status: criteria provided, conflicting classifications (1 of 4 stars). 2 submissions from 2 submitters: Uncertain significance (1); Likely benign (1). Last evaluated 2025-07-13.

Allele frequency attached by ClinVar (database versions not stated): ExAC 0.00010; gnomAD exomes 0.00010; ESP Exome Variant Server 0.00023; 1000 Genomes Project 0.00040; 1000 Genomes Project 30x 0.00047.
gnomAD v4.1: 111 of 1,613,880 alleles (0.0069%); highest among the groups gnomAD compares: African/African-American, 0.11%; no homozygotes.

Submissions (3):

GeneDx
Classification: Uncertain significance. Last evaluated: 2025-07-13. Review status: criteria provided, single submitter. Criteria: GeneDx Variant Classification Process June 2021. Collection method: clinical testing. Allele origin: germline. Affected: yes.
Comment: In silico analysis supports a deleterious effect on splicing; Has not been previously published as pathogenic or benign to our knowledge

Labcorp Genetics (formerly Invitae), Labcorp
Classification: Likely benign. Last evaluated: 2025-07-03. Review status: criteria provided, single submitter. Criteria: Invitae Variant Classification Sherloc (09022015). Collection method: clinical testing. Allele origin: germline.

Dr. Peter K. Rogan Lab, Western University
No classification provided (evidence only). Condition: Lymphoma. Review status: no classification provided. Collection method: in vitro. Allele origin: not applicable. Functional consequence: cryptic splice site, retained intron. Not counted in ClinVar's aggregate classification.

NM_005529.7(HSPG2):c.8667C>T (p.Gly2889=)

Gene: HSPG2 (heparan sulfate proteoglycan 2; minus strand). Cytogenetic location: 1p36.12.
Variant type: single nucleotide variant.
Coding change: c.8667C>T on transcript NM_005529.7 (MANE Select); coding-DNA position 8667, C replaced by T.
Protein change: p.Gly2889=; no amino-acid change (glycine 2889 retained).
Molecular consequence: synonymous variant.
Genome position (GRCh38, 1-based): chr1:21,843,388, G>A on the plus strand (C>T on the coding strand, the complement: HSPG2 is on the minus strand). VCF-style: chr1-21843388-G-A. GRCh37 (hg19) VCF-style: chr1-22169881-G-A.
Other names: c.8670C>T, p.Gly2890= (NM_001291860.2); c.8667C>T (NM_005529.5).
Identifiers: ClinVar variation 1553408 (VCV001553408.10), dbSNP rs138583401, ClinGen allele CA670698.